The following is an entry in ClinVar:

NM_016239.4(MYO15A):c.2597C>G (p.Ser866Trp)

Gene: MYO15A (myosin XVA; plus strand). Cytogenetic location: 17p11.2.
Variant type: single nucleotide variant.
Coding change: c.2597C>G on transcript NM_016239.4 (MANE Select); coding-DNA position 2597, C replaced by G.
Protein change: p.Ser866Trp; replaces serine 866 with tryptophan.
Molecular consequence: missense variant.
Genome position (GRCh38, 1-based): chr17:18,121,397, C>G. VCF-style: chr17-18121397-C-G. GRCh37 (hg19) VCF-style: chr17-18024711-C-G.
Other names: c.2597C>G (NM_016239.3); short protein forms S866W.
Identifiers: ClinVar variation 2904888 (VCV002904888.3), dbSNP rs1314167206, ClinGen allele CA398584653.

ClinVar aggregate classification (germline): Uncertain significance. Review status: criteria provided, multiple submitters, no conflicts (2 of 4 stars). 2 submissions from 2 submitters: Uncertain significance (2). Last evaluated 2025-06-27.

Allele frequency attached by ClinVar (database versions not stated): TOPMed 0.00001.
gnomAD v4.1: 13 of 1,534,950 alleles (0.00085%); highest among the groups gnomAD compares: African/African-American, 0.0028%; no homozygotes.

Submissions (2):

Labcorp Genetics (formerly Invitae), Labcorp
Classification: Uncertain significance. Last evaluated: 2025-06-27. Review status: criteria provided, single submitter. Criteria: Invitae Variant Classification Sherloc (09022015). Collection method: clinical testing. Allele origin: germline.
Comment: This sequence change replaces serine, which is neutral and polar, with tryptophan, which is neutral and slightly polar, at codon 866 of the MYO15A protein (p.Ser866Trp). This variant is not present in population databases (gnomAD no frequency). This missense change has been observed in individual(s) with deafness (PMID: 32860223). ClinVar contains an entry for this variant (Variation ID: 2904888). Invitae Evidence Modeling of protein sequence and biophysical properties (such as structural, functional, and spatial information, amino acid conservation, physicochemical variation, residue mobility, and thermodynamic stability) indicates that this missense variant is not expected to disrupt MYO15A protein function with a negative predictive value of 95%. In summary, the available evidence is currently insufficient to determine the role of this variant in disease. Therefore, it has been classified as a Variant of Uncertain Significance.

GeneDx
Classification: Uncertain significance. Last evaluated: 2024-01-04. Review status: criteria provided, single submitter. Criteria: GeneDx Variant Classification Process June 2021. Collection method: clinical testing. Allele origin: germline. Affected: yes.
Comment: Reported without a second pathogenic variant in a patient with hearing loss in published literature (PMID: 32860223); Not observed at significant frequency in large population cohorts (gnomAD); In silico analysis supports that this missense variant does not alter protein structure/function; This variant is associated with the following publications: (PMID: 32860223)

Literature cited by the submitters: PubMed 32860223 (cited by Labcorp Genetics (formerly Invitae), Labcorp).